The following is an entry in ClinVar:

NM_015335.5(MED13L):c.1298G>A (p.Arg433His)

Gene: MED13L (mediator complex subunit 13L; minus strand). Cytogenetic location: 12q24.21.
Variant type: single nucleotide variant.
Coding change: c.1298G>A on transcript NM_015335.5 (MANE Select); coding-DNA position 1298, G replaced by A.
Protein change: p.Arg433His; replaces arginine 433 with histidine.
Molecular consequence: missense variant.
Genome position (GRCh38, 1-based): chr12:116,009,115, C>T on the plus strand (G>A on the coding strand, the complement: MED13L is on the minus strand). VCF-style: chr12-116009115-C-T. GRCh37 (hg19) VCF-style: chr12-116446920-C-T.
Other names: short protein forms R433H.
Identifiers: ClinVar variation 2712650 (VCV002712650.3), dbSNP rs772983457, ClinGen allele CA6811432.

ClinVar aggregate classification (germline): Uncertain significance (1 of 4 stars; one submission).

Conditions:
Dextro-looped transposition of the great arteries. Also called: Dextrotransposition of the great arteries. Identifiers: Orphanet 860, MedGen C3531771, MONDO:0019443, OMIM 608808, HP:0031348.

Allele frequency attached by ClinVar (database versions not stated): gnomAD 0.00001; gnomAD exomes 0.00001; TOPMed 0.00001; ExAC 0.00002.
gnomAD v4.1: 13 of 1,613,824 alleles (0.00081%); highest among the groups gnomAD compares: South Asian, 0.0077%; no homozygotes.

Submission:

Labcorp Genetics (formerly Invitae), Labcorp
Classification: Uncertain significance for Dextro-looped transposition of the great arteries. Last evaluated: 2023-11-20. Review status: criteria provided, single submitter. Criteria: Invitae Variant Classification Sherloc (09022015). Collection method: clinical testing. Allele origin: germline.
Comment: This sequence change replaces arginine, which is basic and polar, with histidine, which is basic and polar, at codon 433 of the MED13L protein (p.Arg433His). This variant is present in population databases (rs772983457, gnomAD 0.01%). This variant has not been reported in the literature in individuals affected with MED13L-related conditions. Advanced modeling of protein sequence and biophysical properties (such as structural, functional, and spatial information, amino acid conservation, physicochemical variation, residue mobility, and thermodynamic stability) performed at Invitae indicates that this missense variant is not expected to disrupt MED13L protein function with a negative predictive value of 80%. In summary, the available evidence is currently insufficient to determine the role of this variant in disease. Therefore, it has been classified as a Variant of Uncertain Significance.